The following is an entry in ClinVar:

NM_001148.6(ANK2):c.1485+19A>G

Gene: ANK2 (ankyrin 2; plus strand). Cytogenetic location: 4q26.
Variant type: single nucleotide variant.
Coding change: c.1485+19A>G on transcript NM_001148.6 (MANE Select); 19 bases into the intron after coding-DNA position 1485, A replaced by G.
Molecular consequence: intron variant.
Genome position (GRCh38, 1-based): chr4:113,265,014, A>G. VCF-style: chr4-113265014-A-G. GRCh37 (hg19) VCF-style: chr4-114186170-A-G.
Other names: c.1473+19A>G (NM_001386186.2, NM_001386148.2); c.1275+19A>G (NM_001354269.3); c.1449+19A>G (NM_001386187.2); c.1443+19A>G (NM_001386147.1, NM_001386160.1, NM_001354261.2); c.1422+19A>G (NM_001354254.2, NM_001354239.2, NM_001354252.2 and 14 more transcripts); c.1398+19A>G (NM_001354249.2, NM_001354266.2, NM_001354276.2 and 13 more transcripts); c.1200+19A>G (NM_001386157.1, NM_001354277.2, NM_001386158.1); c.1530+19A>G (NM_001354241.2, NM_001386152.1, NM_001354237.2 and 5 more transcripts); and 4 more.
Identifiers: ClinVar variation 516158 (VCV000516158.9), dbSNP rs3025731, ClinGen allele CA3050298.
Genomic context (GRCh38, chr4:113,265,014, plus strand): 5'-TGCCTCCTGAGAAATGGTGCCCTTGTTGATGCCAGAGCCAGGGTAGGTACTGGTGCCCTG[A>G]GGTTCTCTTCTATCGCAGCGCATGAGTTTCATCCTTAAGAGAGGGTGTTGCCCTTCAGTT-3'

ClinVar aggregate classification (germline): Benign/Likely benign. Review status: criteria provided, multiple submitters, no conflicts (2 of 4 stars). 3 submissions from 3 submitters: Benign (2); Likely benign (1). Last evaluated 2025-11-17.

Conditions:
Cardiac arrhythmia, ankyrin-B-related. Also called: ANKYRIN-B SYNDROME. Identifiers: Orphanet 101016, Orphanet 768, MedGen C1970119, MONDO:0010958, OMIM 600919.
Long QT syndrome (LQTS). Identifiers: MedGen C0023976, MeSH D008133, MONDO:0002442. Disease mechanism: loss of function. Inheritance: Various modes of inheritance.

Allele frequency attached by ClinVar (database versions not stated): gnomAD 0.00002; gnomAD exomes 0.00002; TOPMed 0.00002; ExAC 0.00005; ESP Exome Variant Server 0.00008.
gnomAD v4.1: 20 of 1,552,034 alleles (0.0013%); highest among the groups gnomAD compares: Non-Finnish European, 0.0017%; no homozygotes.

Submissions (3):

Labcorp Genetics (formerly Invitae), Labcorp
Classification: Likely benign for Long QT syndrome. Last evaluated: 2025-11-17. Review status: criteria provided, single submitter. Criteria: Invitae Variant Classification Sherloc (09022015). Collection method: clinical testing. Allele origin: germline.

Genome-Nilou Lab
Classification: Benign for Cardiac arrhythmia, ankyrin-B-related. Last evaluated: 2021-12-05. Review status: criteria provided, single submitter. Criteria: ACMG Guidelines, 2015. Collection method: clinical testing. Allele origin: germline. Affected: no.

GeneDx
Classification: Benign. Last evaluated: 2017-09-14. Review status: criteria provided, single submitter. Criteria: GeneDx Variant Classification (06012015). Collection method: clinical testing. Allele origin: germline. Affected: yes.
Comment: This variant is considered likely benign or benign based on one or more of the following criteria: it is a conservative change, it occurs at a poorly conserved position in the protein, it is predicted to be benign by multiple in silico algorithms, and/or has population frequency not consistent with disease.